The following is an entry in ClinVar:

NM_001378615.1(CC2D2A):c.613G>A (p.Gly205Arg)

Genes: CC2D2A (coiled-coil and C2 domain containing 2A; plus strand), FBXL5 (F-box and leucine rich repeat protein 5; minus strand). Cytogenetic location: 4p15.32.
Variant type: single nucleotide variant.
Coding change: c.613G>A on transcript NM_001378615.1 (MANE Select); coding-DNA position 613, G replaced by A.
Protein change: p.Gly205Arg; replaces glycine 205 with arginine.
Molecular consequence: missense variant.
Genome position (GRCh38, 1-based): chr4:15,511,319, G>A. VCF-style: chr4-15511319-G-A. GRCh37 (hg19) VCF-style: chr4-15512942-G-A.
Other names: c.613G>A, p.Gly205Arg (NM_001080522.2); c.466G>A, p.Gly156Arg (NM_001378617.1); short protein forms G205R, G156R.
Identifiers: ClinVar variation 500772 (VCV000500772.18), dbSNP rs147499316, ClinGen allele CA2863449.

ClinVar aggregate classification (germline): Conflicting classifications of pathogenicity. Review status: criteria provided, conflicting classifications (1 of 4 stars). 7 submissions from 7 submitters: Uncertain significance (5); Likely benign (2). Last evaluated 2026-08-07.

Conditions:
Inborn genetic diseases. Identifiers: MedGen C0950123, MeSH D030342.
CC2D2A-related disorder. Also called: CC2D2A-related condition; CC2D2A-related disorders. Identifiers: MedGen CN239313.
Meckel-Gruber syndrome. Also called: Dysencephalia splachnocystica; DYSENCEPHALIA SPLANCHNOCYSTICA; GRUBER SYNDROME. Identifiers: Orphanet 564, MedGen C0265215, MONDO:0018921.
Joubert syndrome. Also called: JOUBERT-BOLTSHAUSER SYNDROME; Familial aplasia of the vermis. Identifiers: Orphanet 475, MedGen C5979921, MONDO:0018772.

Allele frequency attached by ClinVar (database versions not stated): gnomAD 0.00031 and 0.00029; TOPMed 0.00032; 1000 Genomes Project 0.00040; 1000 Genomes Project 30x 0.00047; ESP Exome Variant Server 0.00050; gnomAD exomes 0.00002 and 0.00006; ExAC 0.00010.

Submissions (7):

PreventionGenetics, part of Exact Sciences
Classification: Uncertain significance for CC2D2A-related condition. Last evaluated: 2026-08-07. Review status: criteria provided, single submitter. Criteria: ACMG Guidelines, 2015. Collection method: clinical testing. Allele origin: germline.
Comment: The CC2D2A c.613G>A variant is predicted to result in the amino acid substitution p.Gly205Arg. To our knowledge, this variant has not been reported in the literature. This variant is reported in 0.095% of alleles in individuals of African descent in gnomAD. Although we suspect that this variant may be benign, at this time, the clinical significance of this variant is uncertain due to the absence of conclusive functional and genetic evidence.

Labcorp Genetics (formerly Invitae), Labcorp
Classification: Likely benign for Joubert syndrome; Meckel-Gruber syndrome. Last evaluated: 2026-01-05. Review status: criteria provided, single submitter. Criteria: Invitae Variant Classification Sherloc (09022015). Collection method: clinical testing. Allele origin: germline.

Ambry Genetics
Classification: Uncertain significance for Inborn genetic diseases. Last evaluated: 2025-08-05. Review status: criteria provided, single submitter. Criteria: Ambry Variant Classification Scheme 2023. Collection method: clinical testing. Allele origin: germline.

Blueprint Genetics
Classification: Likely benign. Last evaluated: 2024-09-02. Review status: criteria provided, single submitter. Criteria: ACMG Guidelines, 2015. Collection method: clinical testing. Allele origin: germline.

GeneDx
Classification: Uncertain significance. Last evaluated: 2023-09-01. Review status: criteria provided, single submitter. Criteria: GeneDx Variant Classification Process June 2021. Collection method: clinical testing. Allele origin: germline. Affected: yes.
Comment: In silico analysis supports that this missense variant does not alter protein structure/function; Has not been previously published as pathogenic or benign to our knowledge

Women's Health and Genetics/Laboratory Corporation of America, LabCorp
Classification: Uncertain significance. Last evaluated: 2023-08-09. Review status: criteria provided, single submitter. Criteria: LabCorp Variant Classification Summary - May 2015. Collection method: clinical testing. Allele origin: germline.
Comment: Variant summary: CC2D2A c.613G>A (p.Gly205Arg) results in a non-conservative amino acid change located in a domain of unknown function (DUF5523) of the encoded protein sequence. Four of five in-silico tools predict a benign effect of the variant on protein function. The variant allele was found at a frequency of 5.6e-05 in 232702 control chromosomes (gnomAD). To our knowledge, no occurrence of c.613G>A in individuals affected with CC2D2A-Related Disorders and no experimental evidence demonstrating its impact on protein function have been reported. Two submitters have cited clinical-significance assessments for this variant to ClinVar after 2014. One submitter classified the variant as likely benign, and one submitter classified the variant as uncertain significance. Based on the evidence outlined above, the variant was classified as uncertain significance.

Eurofins Ntd Llc (ga)
Classification: Uncertain significance. Last evaluated: 2017-03-07. Review status: criteria provided, single submitter. Criteria: EGL Classification Definitions 2015. Collection method: clinical testing. Allele origin: germline. Observed: 2 variant alleles, 2 heterozygotes.